The following is an entry in ClinVar:

NC_000002.12:g.121530923T>C

Genes: CLASP1 (cytoplasmic linker associated protein 1; minus strand), CLASP1-AS1 (CLASP1 antisense RNA 1; plus strand), RNU4ATAC (RNA, U4atac small nuclear; plus strand). Cytogenetic location: 2q14.2.
Variant type: single nucleotide variant.
Molecular consequence: intron variant (on NM_001395891.1).
Genome position: GRCh38 VCF-style: chr2-121530923-T-C. GRCh37 (hg19) VCF-style: chr2-122288499-T-C.
Other names: c.196-598A>G (NM_001142274.2, NM_015282.3, NM_001378003.1 and 5 more transcripts).
Identifiers: ClinVar variation 1472544 (VCV001472544.4), dbSNP rs377422272, ClinGen allele CA1854700.

ClinVar aggregate classification (germline): Uncertain significance (1 of 4 stars; one submission).

Allele frequency attached by ClinVar (database versions not stated): TOPMed 0.00005.
gnomAD v4.1: 32 of 699,774 alleles (0.0046%); highest among the groups gnomAD compares: Non-Finnish European, 0.0065%; no homozygotes.

Submission:

Labcorp Genetics (formerly Invitae), Labcorp
Classification: Uncertain significance. Last evaluated: 2023-12-11. Review status: criteria provided, single submitter. Criteria: Invitae Variant Classification Sherloc (09022015). Collection method: clinical testing. Allele origin: germline.
Comment: This variant occurs in the RNU4ATAC gene, which encodes an RNA molecule that does not result in a protein product. This variant is present in population databases (rs377422272, gnomAD 0.02%). This variant has not been reported in the literature in individuals affected with RNU4ATAC-related conditions. ClinVar contains an entry for this variant (Variation ID: 1472544). Experimental studies and prediction algorithms are not available or were not evaluated, and the functional significance of this variant is currently unknown. In summary, the available evidence is currently insufficient to determine the role of this variant in disease. Therefore, it has been classified as a Variant of Uncertain Significance.